The following is an entry in ClinVar:

ClinVar aggregate classification (germline): Uncertain significance (1 of 4 stars; one submission).

Conditions:
Hypertrophic cardiomyopathy 19. Also called: Familial hypertrophic cardiomyopathy 19. Identifiers: MedGen CN077603, MONDO:0013476.

Submission:

Labcorp Genetics (formerly Invitae), Labcorp
Classification: Uncertain significance for Hypertrophic cardiomyopathy 19. Last evaluated: 2022-10-02. Review status: criteria provided, single submitter. Criteria: Invitae Variant Classification Sherloc (09022015). Collection method: clinical testing. Allele origin: germline.
Comment: In summary, the available evidence is currently insufficient to determine the role of this variant in disease. Therefore, it has been classified as a Variant of Uncertain Significance. Experimental studies and prediction algorithms are not available or were not evaluated, and the functional significance of this variant is currently unknown. This variant has not been reported in the literature in individuals affected with CALR3-related conditions. This variant is a gross deletion of the genomic region encompassing exon(s) 1-2 of the CALR3 gene, which includes the initiator codon. This deletion extends beyond the assayed region for this gene and therefore may encompass additional genes. It is expected to result in an absent or disrupted protein product. However, the current clinical and genetic evidence is not sufficient to establish whether loss-of-function variants in CALR3 cause disease.

NC_000019.9:g.(?_16606542)_(16606940_?)del

Gene: CALR3 (calreticulin 3; minus strand). Cytogenetic location: 19p13.11.
Variant type: Deletion.
Identifiers: ClinVar variation 2427326 (VCV002427326.5).